The following is an entry in ClinVar:

NM_003919.3(SGCE):c.142C>T (p.Arg48Trp)

Genes: CASD1 (CAS1 domain sialic acid O acetyltransferase 1; plus strand), SGCE (sarcoglycan epsilon; minus strand). Cytogenetic location: 7q21.3.
Variant type: single nucleotide variant.
Coding change: c.142C>T on transcript NM_003919.3 (MANE Select); coding-DNA position 142, C replaced by T.
Protein change: p.Arg48Trp; replaces arginine 48 with tryptophan.
Molecular consequence: missense variant. On other transcripts: 5 prime UTR variant (2), intron variant (2).
Genome position (GRCh38, 1-based): chr7:94,629,809, G>A on the plus strand (C>T on the coding strand, the complement: SGCE is on the minus strand). VCF-style: chr7-94629809-G-A. GRCh37 (hg19) VCF-style: chr7-94259121-G-A.
Other names: c.142C>T (NM_003919.2); c.142C>T, p.Arg48Trp (NM_001099400.2, NM_001099401.2, NM_001346717.2); c.250C>T, p.Arg84Trp (NM_001346713.2, NM_001346715.2); c.55C>T, p.Arg19Trp (NM_001346719.2, NM_001362807.2); c.-132C>T (NM_001346720.2, NM_001362808.2); c.110-1450C>T (NM_001362809.2, NM_001301139.2); short protein forms R48W, R84W, R19W.
Identifiers: ClinVar variation 1442442 (VCV001442442.9), dbSNP rs760964336, ClinGen allele CA4348882.
Genomic context (GRCh38, chr7:94,629,809, plus strand): 5'-TAAAATATTCTCTTTCCAAAACATGAACAAAGAGGACACCTGCTGATGGGTATACATTCC[G>A]ATCGGAGTGTACCTTGGAGAAAATACTGTACACTGAAAACAAAGAGGAAAGATAAGTGAC-3'
Protein context (NP_003910.1, residues 38-58): YSIFSKVHSD[Arg48Trp]NVYPSAGVLF

ClinVar aggregate classification (germline): Uncertain significance. Review status: criteria provided, multiple submitters, no conflicts (2 of 4 stars). 2 submissions from 2 submitters: Uncertain significance (2). Last evaluated 2025-08-08.

Conditions:
Myoclonic dystonia 11 (DYT11). Also called: Myoclonic dystonia; Dystonia 11; Dystonia, alcohol responsive; Hereditary essential myoclonus; SGCE Myoclonus-Dystonia; Myoclonus-Dystonia. Identifiers: Orphanet 36899, MedGen C1834570, MONDO:0008044, OMIM 159900.
Inborn genetic diseases. Identifiers: MedGen C0950123, MeSH D030342.

Allele frequency attached by ClinVar (database versions not stated): gnomAD 0.00004 and 0.00005.
gnomAD v4.1: 39 of 1,610,570 alleles (0.0024%); highest among the groups gnomAD compares: East Asian, 0.011%; no homozygotes.

Submissions (2):

Ambry Genetics
Classification: Uncertain significance for Inborn genetic diseases. Last evaluated: 2025-08-08. Review status: criteria provided, single submitter. Criteria: Ambry Variant Classification Scheme 2023. Collection method: clinical testing. Allele origin: germline.

Labcorp Genetics (formerly Invitae), Labcorp
Classification: Uncertain significance for Myoclonic dystonia 11. Last evaluated: 2024-07-11. Review status: criteria provided, single submitter. Criteria: Invitae Variant Classification Sherloc (09022015). Collection method: clinical testing. Allele origin: germline.
Comment: This sequence change replaces arginine, which is basic and polar, with tryptophan, which is neutral and slightly polar, at codon 48 of the SGCE protein (p.Arg48Trp). This variant is present in population databases (rs760964336, gnomAD 0.02%). This variant has not been reported in the literature in individuals affected with SGCE-related conditions. ClinVar contains an entry for this variant (Variation ID: 1442442). Advanced modeling of protein sequence and biophysical properties (such as structural, functional, and spatial information, amino acid conservation, physicochemical variation, residue mobility, and thermodynamic stability) performed at Invitae indicates that this missense variant is not expected to disrupt SGCE protein function with a negative predictive value of 80%. In summary, the available evidence is currently insufficient to determine the role of this variant in disease. Therefore, it has been classified as a Variant of Uncertain Significance.